The following is an entry in ClinVar:

NM_000179.3(MSH6):c.2274A>G (p.Leu758=)

Gene: MSH6 (mutS homolog 6; plus strand). Cytogenetic location: 2p16.3.
Variant type: single nucleotide variant.
Coding change: c.2274A>G on transcript NM_000179.3 (MANE Select); coding-DNA position 2274, A replaced by G.
Protein change: p.Leu758=; no amino-acid change (leucine 758 retained).
Molecular consequence: synonymous variant. On other transcripts: non-coding transcript variant (5), intron variant (2).
Genome position (GRCh38, 1-based): chr2:47,800,257, A>G. VCF-style: chr2-47800257-A-G. GRCh37 (hg19) VCF-style: chr2-48027396-A-G.
Other names: c.1368A>G, p.Leu456= (NM_001281493.2, NM_001281494.2, NM_001406811.1 and 6 more transcripts); c.2370A>G, p.Leu790= (NM_001406795.1, NM_001406802.1); c.1884A>G, p.Leu628= (NM_001281492.2); c.2274A>G, p.Leu758= (NM_001406796.1, NM_001406798.1, NM_001406800.1 and 3 more transcripts); c.1977A>G, p.Leu659= (NM_001406797.1, NM_001406801.1, NM_001406805.1 and 10 more transcripts); c.1749A>G, p.Leu583= (NM_001406799.1, NM_001406806.1, NM_001406807.1); c.2196A>G, p.Leu732= (NM_001406804.1); c.2280A>G, p.Leu760= (NM_001406813.1); and 3 more.
Identifiers: ClinVar variation 1788825 (VCV001788825.6), dbSNP rs2104397710, ClinGen allele CA426121409.
Genomic context (GRCh38, chr2:47,800,257, plus strand): 5'-GACATTAAACAACTTGGAGATTTTTCTGAATGGAACAAATGGTTCTACTGAAGGAACCCT[A>G]CTAGAGAGGGTTGATACTTGCCATACTCCTTTTGGTAAGCGGCTCCTAAAGCAATGGCTT-3'
Protein context (NP_000170.1, residues 748-768): NGTNGSTEGT[Leu758=]LERVDTCHTP

ClinVar aggregate classification (germline): Benign/Likely benign. Review status: criteria provided, multiple submitters, no conflicts (2 of 4 stars). 3 submissions from 3 submitters: Benign (1); Likely benign (2). Last evaluated 2024-12-30.

Conditions:
Hereditary cancer-predisposing syndrome. Also called: Hereditary Cancer Syndrome; Hereditary neoplastic syndrome; Tumor predisposition; Neoplastic Syndromes, Hereditary. Identifiers: Orphanet 140162, MedGen C0027672, MeSH D009386, MONDO:0015356.
Hereditary nonpolyposis colorectal neoplasms. Identifiers: MedGen C0009405, MeSH D003123.
Lynch syndrome 5 (LYNCH5). Also called: Hereditary non-polyposis colorectal cancer, type 5; Colorectal cancer, hereditary nonpolyposis, type 5. Identifiers: Orphanet 144, MedGen C1833477, MONDO:0013710, OMIM 614350. Disease mechanism: loss of function.

Submissions (3):

Myriad Genetics, Inc.
Classification: Benign for Lynch syndrome 5. Last evaluated: 2024-12-30. Review status: criteria provided, single submitter. Criteria: Myriad Autosomal Dominant, Autosomal Recessive and X-Linked Classification Criteria (2023). Collection method: clinical testing. Allele origin: unknown.
Comment: This variant is considered benign. This variant is a silent/synonymous amino acid change and it is not expected to impact splicing.

Labcorp Genetics (formerly Invitae), Labcorp
Classification: Likely benign for Hereditary nonpolyposis colorectal neoplasms. Last evaluated: 2023-05-08. Review status: criteria provided, single submitter. Criteria: Invitae Variant Classification Sherloc (09022015). Collection method: clinical testing. Allele origin: germline.

Ambry Genetics
Classification: Likely benign for Hereditary cancer-predisposing syndrome. Last evaluated: 2022-10-20. Review status: criteria provided, single submitter. Criteria: Ambry Variant Classification Scheme 2023. Collection method: clinical testing. Allele origin: germline.